The following is an entry in ClinVar:

NM_152594.3(SPRED1):c.620G>C (p.Arg207Thr)

Gene: SPRED1 (sprouty related EVH1 domain containing 1; plus strand). Cytogenetic location: 15q14.
Variant type: single nucleotide variant.
Coding change: c.620G>C on transcript NM_152594.3 (MANE Select); coding-DNA position 620, G replaced by C.
Protein change: p.Arg207Thr; replaces arginine 207 with threonine.
Molecular consequence: missense variant.
Genome position (GRCh38, 1-based): chr15:38,349,459, G>C. VCF-style: chr15-38349459-G-C. GRCh37 (hg19) VCF-style: chr15-38641660-G-C.
Other names: short protein forms R207T.
Identifiers: ClinVar variation 1314091 (VCV001314091.10), dbSNP rs2141014869, ClinGen allele CA391932848.

ClinVar aggregate classification (germline): Uncertain significance. Review status: criteria provided, multiple submitters, no conflicts (2 of 4 stars). 4 submissions from 4 submitters: Uncertain significance (4). Last evaluated 2025-12-07.

Conditions:
Legius syndrome. Identifiers: Orphanet 137605, MedGen C1969623, MONDO:0012669, OMIM 611431. Disease mechanism: loss of function.
Cardiovascular phenotype. Identifiers: MedGen CN230736.

Allele frequency attached by ClinVar (database versions not stated): gnomAD exomes 0.00001.
gnomAD v4.1: 13 of 1,612,814 alleles (0.00081%); highest among the groups gnomAD compares: Non-Finnish European, 0.0011%; no homozygotes.

Submissions (4):

Ambry Genetics
Classification: Uncertain significance for Cardiovascular phenotype. Last evaluated: 2025-12-07. Review status: criteria provided, single submitter. Criteria: Ambry Variant Classification Scheme 2023. Collection method: clinical testing. Allele origin: germline.
Comment: The p.R207T variant (also known as c.620G>C), located in coding exon 6 of the SPRED1 gene, results from a G to C substitution at nucleotide position 620. The arginine at codon 207 is replaced by threonine, an amino acid with similar properties. This amino acid position is conserved. In addition, the in silico prediction for this alteration is inconclusive. Based on the available evidence, the clinical significance of this variant remains unclear.

Labcorp Genetics (formerly Invitae), Labcorp
Classification: Uncertain significance for Legius syndrome. Last evaluated: 2025-11-28. Review status: criteria provided, single submitter. Criteria: Invitae Variant Classification Sherloc (09022015). Collection method: clinical testing. Allele origin: germline.
Comment: This sequence change replaces arginine, which is basic and polar, with threonine, which is neutral and polar, at codon 207 of the SPRED1 protein (p.Arg207Thr). This variant is not present in population databases (gnomAD no frequency). This variant has not been reported in the literature in individuals affected with SPRED1-related conditions. ClinVar contains an entry for this variant (Variation ID: 1314091). Invitae Evidence Modeling of protein sequence and biophysical properties (such as structural, functional, and spatial information, amino acid conservation, physicochemical variation, residue mobility, and thermodynamic stability) indicates that this missense variant is not expected to disrupt SPRED1 protein function with a negative predictive value of 80%. In summary, the available evidence is currently insufficient to determine the role of this variant in disease. Therefore, it has been classified as a Variant of Uncertain Significance.

Greenwood Genetic Center Diagnostic Laboratories, Greenwood Genetic Center
Classification: Uncertain significance. Last evaluated: 2022-07-11. Review status: criteria provided, single submitter. Criteria: ACMG Guidelines, 2015. Collection method: clinical testing. Allele origin: germline. Affected: yes.
Comment: PM2

GeneDx
Classification: Uncertain significance. Last evaluated: 2021-01-27. Review status: criteria provided, single submitter. Criteria: GeneDx Variant Classification Process June 2021. Collection method: clinical testing. Allele origin: germline. Affected: yes.
Comment: Not observed in large population cohorts (Lek 2016); In silico analysis supports that this missense variant does not alter protein structure/function; Has not been previously published as pathogenic or benign to our knowledge